The following is an entry in ClinVar:

ClinVar aggregate classification (germline): Pathogenic/Likely pathogenic. Review status: criteria provided, multiple submitters, no conflicts (2 of 4 stars). 3 submissions from 3 submitters: Pathogenic (2); Likely pathogenic (1). Last evaluated 2021-10-05.

Conditions:
Long QT syndrome 1 (LQT1). Identifiers: Orphanet 101016, Orphanet 768, MedGen C4551647, MONDO:0100316, OMIM 192500, MONDO:0008646.
Cardiovascular phenotype. Identifiers: MedGen CN230736.

Submissions (3):

Laboratory of Medical Genetics, National & Kapodistrian University of Athens
Classification: Pathogenic for Long QT syndrome 1. Last evaluated: 2021-10-05. Review status: criteria provided, single submitter. Criteria: ACMG Guidelines, 2015. Collection method: clinical testing. Allele origin: unknown. Affected: yes.
Comment: PVS1, PM2, PP3

Ambry Genetics
Classification: Pathogenic for Cardiovascular phenotype. Last evaluated: 2020-03-05. Review status: criteria provided, single submitter. Criteria: Ambry Variant Classification Scheme 2023. Collection method: clinical testing. Allele origin: germline.
Comment: The c.1250dupT pathogenic mutation, located in coding exon 9 of the KCNQ1 gene, results from a duplication of T at nucleotide position 1250, causing a translational frameshift with a predicted alternate stop codon (p.V418Gfs*45). This alteration is expected to result in loss of function by premature protein truncation or nonsense-mediated mRNA decay. As such, this alteration is interpreted as a disease-causing mutation.

GeneDx
Classification: Likely pathogenic. Last evaluated: 2020-01-17. Review status: criteria provided, single submitter. Criteria: GeneDx Variant Classification Process June 2021. Collection method: clinical testing. Allele origin: germline. Affected: yes.
Comment: Has not been previously published as pathogenic or benign to our knowledge; Not observed in large population cohorts (Lek et al., 2016); Frameshift variant predicted to result in protein truncation or nonsense mediated decay in a gene for which loss-of-function is a known mechanism of disease

NM_000218.3(KCNQ1):c.1250dup (p.Val418fs)

Gene: KCNQ1 (potassium voltage-gated channel subfamily Q member 1; plus strand). Cytogenetic location: 11p15.5.
Variant type: Duplication.
Coding change: c.1250dup on transcript NM_000218.3 (MANE Select); coding-DNA position 1250, one base duplicated (T; older notation c.1250dupT).
Protein change: p.Val418fs; shifts the reading frame from valine 418.
Molecular consequence: frameshift variant.
Genome position (GRCh38, 1-based): chr11:2,587,691, T duplicated. VCF-style (leftmost placement, unchanged base first): chr11-2587690-G-GT. GRCh37 (hg19) VCF-style: chr11-2608920-G-GT.
Other names: c.1250dupT (NM_000218.2); c.1154dup, p.Val386Glyfs (NM_001406836.1); c.980dup, p.Val328Glyfs (NM_001406837.1); c.710dup, p.Val238Glyfs (NM_001406838.1); c.869dup, p.Val291Glyfs (NM_181798.2); short protein forms V291fs, V418fs.
Identifiers: ClinVar variation 1179766 (VCV001179766.7), dbSNP rs2133758591, ClinGen allele CA2499220874.